The following is an entry in ClinVar:

ClinVar aggregate classification (germline): Uncertain significance (1 of 4 stars; one submission).

Submission:

Labcorp Genetics (formerly Invitae), Labcorp
Classification: Uncertain significance. Last evaluated: 2022-03-22. Review status: criteria provided, single submitter. Criteria: Invitae Variant Classification Sherloc (09022015). Collection method: clinical testing. Allele origin: germline.
Comment: Algorithms developed to predict the effect of missense changes on protein structure and function (SIFT, PolyPhen-2, Align-GVGD) all suggest that this variant is likely to be disruptive. In summary, the available evidence is currently insufficient to determine the role of this variant in disease. Therefore, it has been classified as a Variant of Uncertain Significance. This variant has not been reported in the literature in individuals affected with MCM3AP-related conditions. This variant is not present in population databases (gnomAD no frequency). This sequence change replaces serine, which is neutral and polar, with alanine, which is neutral and non-polar, at codon 1530 of the MCM3AP protein (p.Ser1530Ala).

NM_003906.5(MCM3AP):c.4588T>G (p.Ser1530Ala)

Genes: MCM3AP (minichromosome maintenance complex component 3 associated protein; minus strand), MCM3AP-AS1 (MCM3AP antisense RNA 1; plus strand). Cytogenetic location: 21q22.3.
Variant type: single nucleotide variant.
Coding change: c.4588T>G on transcript NM_003906.5 (MANE Select); coding-DNA position 4588, T replaced by G.
Protein change: p.Ser1530Ala; replaces serine 1530 with alanine.
Molecular consequence: missense variant.
Genome position (GRCh38, 1-based): chr21:46,246,366, A>C on the plus strand (T>G on the coding strand, the complement: MCM3AP is on the minus strand). VCF-style: chr21-46246366-A-C. GRCh37 (hg19) VCF-style: chr21-47666280-A-C.
Other names: short protein forms S1530A.
Identifiers: ClinVar variation 2080781 (VCV002080781.4), dbSNP rs1180659789, ClinGen allele CA410544779.